The following is an entry in ClinVar:

NM_006950.3(SYN1):c.79C>T (p.Arg27Cys)

Gene: SYN1 (synapsin I; minus strand). Cytogenetic location: Xp11.23.
Variant type: single nucleotide variant.
Coding change: c.79C>T on transcript NM_006950.3 (MANE Select); coding-DNA position 79, C replaced by T.
Protein change: p.Arg27Cys; replaces arginine 27 with cysteine.
Molecular consequence: missense variant.
Genome position (GRCh38, 1-based): chrX:47,619,650, G>A on the plus strand (C>T on the coding strand, the complement: SYN1 is on the minus strand). VCF-style: chrX-47619650-G-A. GRCh37 (hg19) VCF-style: chrX-47479049-G-A.
Other names: c.79C>T, p.Arg27Cys (NM_133499.2); short protein forms R27C.
Identifiers: ClinVar variation 935450 (VCV000935450.9), dbSNP rs2057942233, ClinGen allele CA412832170.

ClinVar aggregate classification (germline): Uncertain significance (1 of 4 stars; one submission).

Conditions:
Epilepsy, X-linked 1, with variable learning disabilities and behavior disorders. Also called: X-linked epilepsy-learning disabilities-behavior disorders syndrome. Identifiers: Orphanet 85294, MedGen C5774177, MONDO:0010339, OMIM 300491.

Submission:

Labcorp Genetics (formerly Invitae), Labcorp
Classification: Uncertain significance for Epilepsy, X-linked 1, with variable learning disabilities and behavior disorders. Last evaluated: 2019-08-22. Review status: criteria provided, single submitter. Criteria: Invitae Variant Classification Sherloc (09022015). Collection method: clinical testing. Allele origin: germline.
Comment: In summary, the available evidence is currently insufficient to determine the role of this variant in disease. Therefore, it has been classified as a Variant of Uncertain Significance. Algorithms developed to predict the effect of missense changes on protein structure and function are either unavailable or do not agree on the potential impact of this missense change (SIFT: "Deleterious"; PolyPhen-2: "Probably Damaging"; Align-GVGD: "Class C0"). This variant has not been reported in the literature in individuals with SYN1-related conditions. The frequency data for this variant in the population databases is considered unreliable, as metrics indicate insufficient coverage at this position in the ExAC database. This sequence change replaces arginine with cysteine at codon 27 of the SYN1 protein (p.Arg27Cys). The arginine residue is moderately conserved and there is a large physicochemical difference between arginine and cysteine.